The following is an entry in ClinVar:

ClinVar aggregate classification (germline): Likely pathogenic. Review status: criteria provided, multiple submitters, no conflicts (2 of 4 stars). 2 submissions from 2 submitters: Likely pathogenic (2). Last evaluated 2024-06-25.

Conditions:
Macrocephaly-developmental delay syndrome (MRT41). Also called: INTELLECTUAL DEVELOPMENTAL DISORDER, AUTOSOMAL RECESSIVE 41. Identifiers: Orphanet 397612, MedGen C3810225, MONDO:0014289, OMIM 615637.

gnomAD v4.1: 5 of 1,595,652 alleles (0.00031%); highest among the groups gnomAD compares: East Asian, 0.0023%; no homozygotes.

Submissions (2):

Revvity Omics, Revvity
Classification: Likely pathogenic for Macrocephaly-developmental delay syndrome. Last evaluated: 2024-06-25. Review status: criteria provided, single submitter. Criteria: ACMG Guidelines, 2015. Collection method: clinical testing. Allele origin: germline.

Juno Genomics, Hangzhou Juno Genomics, Inc
Classification: Likely pathogenic for Macrocephaly-developmental delay syndrome. Review status: criteria provided, single submitter. Criteria: ACMG Guidelines, 2015. Collection method: clinical testing. Allele origin: germline.
Comment: Absent from controls (or at extremely low frequency if recessive) in Genome Aggregation Database.;Null variant in a gene where loss of function (LOF) is a known mechanism of disease.

NM_007059.4(KPTN):c.309+1G>A

Gene: KPTN (kaptin, actin binding protein; minus strand). Cytogenetic location: 19q13.32.
Variant type: single nucleotide variant.
Coding change: c.309+1G>A on transcript NM_007059.4 (MANE Select); the canonical splice donor site of the intron after coding-DNA position 309, G replaced by A.
Molecular consequence: splice donor variant. On other transcripts: intron variant (1).
Genome position (GRCh38, 1-based): chr19:47,483,501, C>T on the plus strand (G>A on the coding strand, the complement: KPTN is on the minus strand). VCF-style: chr19-47483501-C-T. GRCh37 (hg19) VCF-style: chr19-47986758-C-T.
Other names: c.227-286G>A (NM_001291296.2).
Identifiers: ClinVar variation 4081478 (VCV004081478.3).
Genomic context (GRCh38, chr19:47,483,501, plus strand): 5'-AGTGGAACTCACCATGTGTGTAAGGAGGAGGGCGAAGGGAGGTGGAGGGGGCTCTAGGTA[C>T]CTTGATGAACGTGATCCCCACAACCAGACCCCGCTTGGGGGGTGACTTGTTGAAAGTGTC-3'